The following is an entry in ClinVar:

ClinVar aggregate classification (germline): Pathogenic/Likely pathogenic. Review status: criteria provided, multiple submitters, no conflicts (2 of 4 stars). 3 submissions from 3 submitters: Pathogenic (2); Likely pathogenic (1). Last evaluated 2024-11-10.

Conditions:
BCKDHB-related disorder. Also called: BCKDHB-related condition.
Maple syrup urine disease (MSUD). Identifiers: Orphanet 511, MedGen C0024776, MeSH D008375, MONDO:0009563. Disease mechanism: loss of function.

Submissions (3):

PreventionGenetics, part of Exact Sciences
Classification: Pathogenic for BCKDHB-related condition. Last evaluated: 2024-11-10. Review status: criteria provided, single submitter. Criteria: ACMG Guidelines, 2015. Collection method: clinical testing. Allele origin: germline.
Comment: The BCKDHB c.94delG variant is predicted to result in a frameshift and premature protein termination (p.Ala32Argfs*40). This variant was reported along with a second pathogenic BCKDHB variant in an individual with abnormal newborn screen results suggestive of maple syrup urine disease (Cook et al. 2024. PubMed ID: 38146699). This variant has not been reported in a large population database (gnomAD), indicating this variant is rare. Frameshift variants in BCKDHB are expected to be pathogenic. This variant is interpreted as pathogenic.

Baylor Genetics
Classification: Likely pathogenic for Maple syrup urine disease type 1A. Last evaluated: 2022-03-17. Review status: criteria provided, single submitter. Criteria: ACMG Guidelines, 2015. Collection method: clinical testing. Allele origin: unknown.

Labcorp Genetics (formerly Invitae), Labcorp
Classification: Pathogenic for Maple syrup urine disease. Last evaluated: 2021-03-08. Review status: criteria provided, single submitter. Criteria: Invitae Variant Classification Sherloc (09022015). Collection method: clinical testing. Allele origin: germline.
Comment: This sequence change creates a premature translational stop signal (p.Ala32Argfs*40) in the BCKDHB gene. It is expected to result in an absent or disrupted protein product. Loss-of-function variants in BCKDHB are known to be pathogenic (PMID: 16786533, 22593002). This variant is not present in population databases (ExAC no frequency). This variant has not been reported in the literature in individuals with BCKDHB-related conditions. For these reasons, this variant has been classified as Pathogenic.

Literature cited by the submitters: PubMed 16786533 (cited by Labcorp Genetics (formerly Invitae), Labcorp); PubMed 22593002 (cited by Labcorp Genetics (formerly Invitae), Labcorp).

NM_183050.4(BCKDHB):c.94del (p.Ala32fs)

Gene: BCKDHB (branched chain keto acid dehydrogenase E1 subunit beta; plus strand). Cytogenetic location: 6q14.1.
Variant type: Deletion.
Coding change: c.94del on transcript NM_183050.4 (MANE Select); coding-DNA position 94, one base deleted (G; older notation c.94delG).
Protein change: p.Ala32fs; shifts the reading frame from alanine 32.
Molecular consequence: frameshift variant. On other transcripts: non-coding transcript variant (1), intron variant (1).
Genome position (GRCh38, 1-based): chr6:80,106,787, G deleted; the last of 2 consecutive G bases (chr6:80,106,786-80,106,787); deleting either gives the same sequence. VCF-style (leftmost placement, unchanged base first): chr6-80106785-TG-T. GRCh37 (hg19) VCF-style: chr6-80816502-TG-T.
Other names: c.94del, p.Ala32fs (NM_000056.5); c.-15+104del (NM_001318975.1); c.94del (NM_183050.3); c.94delG (NM_183050.3); short protein forms A32fs.
Identifiers: ClinVar variation 1452253 (VCV001452253.8), dbSNP rs2127698980, ClinGen allele CA2573141308.